The following is an entry in ClinVar:

NM_016532.4(INPP5K):c.609C>T (p.His203=)

Gene: INPP5K (inositol polyphosphate-5-phosphatase K; minus strand). Cytogenetic location: 17p13.3.
Variant type: single nucleotide variant.
Coding change: c.609C>T on transcript NM_016532.4 (MANE Select); coding-DNA position 609, C replaced by T.
Protein change: p.His203=; no amino-acid change (histidine 203 retained).
Molecular consequence: synonymous variant.
Genome position (GRCh38, 1-based): chr17:1,508,172, G>A on the plus strand (C>T on the coding strand, the complement: INPP5K is on the minus strand). VCF-style: chr17-1508172-G-A. GRCh37 (hg19) VCF-style: chr17-1411466-G-A.
Other names: c.381C>T, p.His127= (NM_001135642.2, NM_130766.3).
Identifiers: ClinVar variation 4085530 (VCV004085530.8).
Genomic context (GRCh38, chr17:1,508,172, plus strand): 5'-TACCTGGTCCTTCTCCCACAGGCCACCGTAGCACCGATTTTTAATGGATTCCCGAACAAA[G>A]TGCAACCCAAAGTCCTCGATCCGAAAGTTCATGTCTCCAAACCAGATAATGAGGCTTCAG-3'
Protein context (NP_057616.2, residues 193-213): MNFRIEDFGL[His203=]FVRESIKNRC

ClinVar aggregate classification (germline): Likely benign (1 of 4 stars; one submission).

gnomAD v4.1: 1 of 1,614,114 alleles (0.000062%); highest among the groups gnomAD compares: South Asian, 0.0011%; no homozygotes.

Submission:

CeGaT Center for Human Genetics Tuebingen
Classification: Likely benign. Last evaluated: 2025-07-01. Review status: criteria provided, single submitter. Criteria: CeGaT Center For Human Genetics Tuebingen Variant Classification Criteria Version 2. Collection method: clinical testing. Allele origin: germline. Affected: yes. Observed: 1 variant allele.
Comment: INPP5K: BP4, BP7